The following is an entry in ClinVar:

NM_001267550.2(TTN):c.101429C>G (p.Ser33810Cys)

Genes: TTN-AS1 (TTN antisense RNA 1; plus strand), TTN (titin; minus strand). Cytogenetic location: 2q31.2.
Variant type: single nucleotide variant.
Coding change: c.101429C>G on transcript NM_001267550.2 (MANE Select); coding-DNA position 101429, C replaced by G.
Protein change: p.Ser33810Cys; replaces serine 33810 with cysteine.
Molecular consequence: missense variant.
Genome position (GRCh38, 1-based): chr2:178,535,186, G>C on the plus strand (C>G on the coding strand, the complement: TTN is on the minus strand). VCF-style: chr2-178535186-G-C. GRCh37 (hg19) VCF-style: chr2-179399913-G-C.
Other names: c.96506C>G, p.Ser32169Cys (NM_001256850.1); c.74234C>G, p.Ser24745Cys (NM_003319.4); c.93725C>G, p.Ser31242Cys (NM_133378.4); c.74609C>G, p.Ser24870Cys (NM_133432.3); c.74810C>G, p.Ser24937Cys (NM_133437.4); short protein forms S32169C, S24937C, S33810C, S24745C, S24870C, S31242C.
Identifiers: ClinVar variation 1351521 (VCV001351521.8), dbSNP rs1467149853, ClinGen allele CA349420730.

ClinVar aggregate classification (germline): Uncertain significance (1 of 4 stars; one submission).

Conditions:
Dilated cardiomyopathy 1G (CMD1G). Identifiers: Orphanet 154, MedGen C1858763, MONDO:0011400, OMIM 604145.
Autosomal recessive limb-girdle muscular dystrophy type 2J (LGMDR10). Also called: Limb-girdle muscular dystrophy, type 2J; MUSCULAR DYSTROPHY, LIMB-GIRDLE, AUTOSOMAL RECESSIVE 10. Identifiers: Orphanet 140922, MedGen C1837342, MONDO:0012127, OMIM 608807.

Allele frequency attached by ClinVar (database versions not stated): gnomAD exomes below 0.00001; gnomAD 0.00001.
gnomAD v4.1: 2 of 1,613,812 alleles (0.00012%); highest among the groups gnomAD compares: Non-Finnish European, 0.00017%; no homozygotes.

Submission:

Labcorp Genetics (formerly Invitae), Labcorp
Classification: Uncertain significance for Dilated cardiomyopathy 1G; Autosomal recessive limb-girdle muscular dystrophy type 2J. Last evaluated: 2025-11-26. Review status: criteria provided, single submitter. Criteria: Invitae Variant Classification Sherloc (09022015). Collection method: clinical testing. Allele origin: germline.
Comment: This sequence change replaces serine, which is neutral and polar, with cysteine, which is neutral and slightly polar, at codon 33810 of the TTN protein (p.Ser33810Cys). This variant is not present in population databases (gnomAD no frequency). This variant has not been reported in the literature in individuals affected with TTN-related conditions. ClinVar contains an entry for this variant (Variation ID: 1351521). Experimental studies and prediction algorithms are not available or were not evaluated, and the functional significance of this variant is currently unknown. This variant is located in the M band of TTN (PMID: 25589632). Non-truncating variants in this region may be relevant for neuromuscular disorders, but have not been definitively shown to cause cardiomyopathy (PMID: 23975875). In summary, the available evidence is currently insufficient to determine the role of this variant in disease. Therefore, it has been classified as a Variant of Uncertain Significance.

Literature cited by the submitters: PubMed 25589632; PubMed 23975875.